The following is an entry in ClinVar:

NM_022829.6(SLC13A3):c.692G>A (p.Trp231Ter)

Gene: SLC13A3 (solute carrier family 13 member 3; minus strand). Cytogenetic location: 20q13.12.
Variant type: single nucleotide variant.
Coding change: c.692G>A on transcript NM_022829.6 (MANE Select); coding-DNA position 692, G replaced by A.
Protein change: p.Trp231Ter; replaces tryptophan 231 with a stop codon.
Molecular consequence: nonsense. On other transcripts: missense variant (1).
Genome position (GRCh38, 1-based): chr20:46,596,259, C>T on the plus strand (G>A on the coding strand, the complement: SLC13A3 is on the minus strand). VCF-style: chr20-46596259-C-T. GRCh37 (hg19) VCF-style: chr20-45224898-C-T.
Other names: c.551G>A, p.Trp184Ter (NM_001011554.3, NM_001193340.2); c.625G>A, p.Gly209Arg (NM_001193339.2); c.398G>A, p.Trp133Ter (NM_001193342.2); short protein forms W231*, G209R, W133*, W184*.
Identifiers: ClinVar variation 2835482 (VCV002835482.3), dbSNP rs2515416320, ClinGen allele CA409265649.

ClinVar aggregate classification (germline): Uncertain significance (1 of 4 stars; one submission).

Allele frequency attached by ClinVar (database versions not stated): gnomAD exomes below 0.00001.
gnomAD v4.1: 1 of 1,614,198 alleles (0.000062%); highest among the groups gnomAD compares: Non-Finnish European, 0.000085%; no homozygotes.

Submission:

Labcorp Genetics (formerly Invitae), Labcorp
Classification: Uncertain significance. Last evaluated: 2023-04-10. Review status: criteria provided, single submitter. Criteria: Invitae Variant Classification Sherloc (09022015). Collection method: clinical testing. Allele origin: germline.
Comment: In summary, the available evidence is currently insufficient to determine the role of this variant in disease. Therefore, it has been classified as a Variant of Uncertain Significance. This variant has not been reported in the literature in individuals affected with SLC13A3-related conditions. This variant is not present in population databases (gnomAD no frequency). This sequence change creates a premature translational stop signal (p.Trp231*) in the SLC13A3 gene. It is expected to result in an absent or disrupted protein product. However, the current clinical and genetic evidence is not sufficient to establish whether loss-of-function variants in SLC13A3 cause disease.